The following is an entry in ClinVar:

ClinVar aggregate classification (germline): Likely benign. Review status: criteria provided, multiple submitters, no conflicts (2 of 4 stars). 4 submissions from 4 submitters: Likely benign (4). Last evaluated 2025-04-25.

Conditions:
TTLL5-related disorder. Also called: TTLL5-related condition.

Allele frequency attached by ClinVar (database versions not stated): gnomAD exomes 0.00007 and 0.00017; ESP Exome Variant Server 0.00008; ExAC 0.00009; gnomAD 0.00010; TOPMed 0.00011.
gnomAD v4.1: 251 of 1,605,682 alleles (0.016%); highest among the groups gnomAD compares: Middle Eastern, 0.066%; no homozygotes.

Submissions (4):

PreventionGenetics, part of Exact Sciences
Classification: Likely benign for TTLL5-related condition. Last evaluated: 2025-04-25. Review status: criteria provided, single submitter. Criteria: ACMG Guidelines, 2015. Collection method: clinical testing. Allele origin: germline.
Comment: This variant is classified as likely benign based on ACMG/AMP sequence variant interpretation guidelines (Richards et al. 2015 PMID: 25741868, with internal and published modifications).

Labcorp Genetics (formerly Invitae), Labcorp
Classification: Likely benign. Last evaluated: 2025-03-17. Review status: criteria provided, single submitter. Criteria: Invitae Variant Classification Sherloc (09022015). Collection method: clinical testing. Allele origin: germline.

Blueprint Genetics
Classification: Likely benign. Last evaluated: 2023-10-19. Review status: criteria provided, single submitter. Criteria: ACMG Guidelines, 2015. Collection method: clinical testing. Allele origin: germline.

CeGaT Center for Human Genetics Tuebingen
Classification: Likely benign. Last evaluated: 2023-06-01. Review status: criteria provided, single submitter. Criteria: CeGaT Center For Human Genetics Tuebingen Variant Classification Criteria Version 2. Collection method: clinical testing. Allele origin: germline. Affected: yes. Observed: 1 variant allele.
Comment: TTLL5: BP4, BP7

NM_015072.5(TTLL5):c.492G>A (p.Ala164=)

Gene: TTLL5 (tubulin tyrosine ligase like 5; plus strand). Cytogenetic location: 14q24.3.
Variant type: single nucleotide variant.
Coding change: c.492G>A on transcript NM_015072.5 (MANE Select); coding-DNA position 492, G replaced by A.
Protein change: p.Ala164=; no amino-acid change (alanine 164 retained).
Molecular consequence: synonymous variant.
Genome position (GRCh38, 1-based): chr14:75,690,312, G>A. VCF-style: chr14-75690312-G-A. GRCh37 (hg19) VCF-style: chr14-76156655-G-A.
Other names: c.492G>A (NM_015072.4).
Identifiers: ClinVar variation 1099670 (VCV001099670.37), dbSNP rs374875191, ClinGen allele CA7278941.
Genomic context (GRCh38, chr14:75,690,312, plus strand): 5'-ACATGGATTCAAGGCTTTTCACATCCTCCCCCAGACCTTCCTCCTGCCAGCTGAGTACGC[G>A]GAATTTTGTAGTAAGTGCTTGACAGAGAATGCCCCAGTCCCCAGCAACTGAACCTGGGGA-3'
Protein context (NP_055887.3, residues 154-174): PQTFLLPAEY[Ala164=]EFCNSYSKDR